The following is an entry in ClinVar:

ClinVar aggregate classification (germline): Uncertain significance (1 of 4 stars; one submission).

Conditions:
Hereditary cancer-predisposing syndrome. Also called: Tumor predisposition; Hereditary Cancer Syndrome; Hereditary neoplastic syndrome; Neoplastic Syndromes, Hereditary. Identifiers: Orphanet 140162, MedGen C0027672, MeSH D009386, MONDO:0015356.

Allele frequency attached by ClinVar (database versions not stated): TOPMed below 0.00001; ExAC 0.00001; gnomAD 0.00001.
gnomAD v4.1: 1 of 1,612,636 alleles (0.000062%); highest among the groups gnomAD compares: African/African-American, 0.0013%; no homozygotes.

Submission:

Ambry Genetics
Classification: Uncertain significance for Hereditary cancer-predisposing syndrome. Last evaluated: 2025-09-10. Review status: criteria provided, single submitter. Criteria: Ambry Variant Classification Scheme 2023. Collection method: clinical testing. Allele origin: germline.
Comment: The p.G275V variant (also known as c.824G>T), located in coding exon 4 of the RET gene, results from a G to T substitution at nucleotide position 824. The glycine at codon 275 is replaced by valine, an amino acid with dissimilar properties. This amino acid position is conserved. In addition, the in silico prediction for this alteration is inconclusive. Since supporting evidence is limited at this time, the clinical significance of this alteration remains unclear.

NM_020975.6(RET):c.824G>T (p.Gly275Val)

Gene: RET (ret proto-oncogene; plus strand). Cytogenetic location: 10q11.21.
Variant type: single nucleotide variant.
Coding change: c.824G>T on transcript NM_020975.6 (MANE Select); coding-DNA position 824, G replaced by T.
Protein change: p.Gly275Val; replaces glycine 275 with valine.
Molecular consequence: missense variant. On other transcripts: intron variant (22).
Genome position (GRCh38, 1-based): chr10:43,105,150, G>T. VCF-style: chr10-43105150-G-T. GRCh37 (hg19) VCF-style: chr10-43600598-G-T.
Other names: c.824G>T, p.Gly275Val (NM_000323.2, NM_001406743.1, NM_001406744.1 and 8 more transcripts); c.62G>T, p.Gly21Val (NM_001355216.2); c.695G>T, p.Gly232Val (NM_001406761.1, NM_001406762.1, NM_001406764.1 and 2 more transcripts); c.536G>T, p.Gly179Val (NM_001406766.1, NM_001406767.1, NM_001406770.1); c.625+2521G>T (NM_001406773.1, NM_001406771.1, NM_001406782.1 and 5 more transcripts); c.496+2521G>T (NM_001406786.1, NM_001406783.1); c.338-3881G>T (NM_001406778.1, NM_001406775.1, NM_001406776.1 and 1 more transcripts); c.337+4428G>T (NM_001406790.1, NM_001406788.1, NM_001406789.1 and 1 more transcripts); and 2 more; short protein forms G232V, G21V, G179V, G275V.
Identifiers: ClinVar variation 2618723 (VCV002618723.3), dbSNP rs143209223, ClinGen allele CA044992.